The following is an entry in ClinVar:

NM_001042492.3(NF1):c.2044C>T (p.Gln682Ter)

Gene: NF1 (neurofibromin 1; plus strand). Cytogenetic location: 17q11.2.
Variant type: single nucleotide variant.
Coding change: c.2044C>T on transcript NM_001042492.3 (MANE Select); coding-DNA position 2044, C replaced by T.
Protein change: p.Gln682Ter; replaces glutamine 682 with a stop codon.
Molecular consequence: nonsense.
Genome position (GRCh38, 1-based): chr17:31,226,477, C>T. VCF-style: chr17-31226477-C-T. GRCh37 (hg19) VCF-style: chr17-29553495-C-T.
Other names: c.2044C>T, p.Gln682Ter (NM_000267.4); short protein forms Q682*.
Identifiers: ClinVar variation 818186 (VCV000818186.15), dbSNP rs1597712392, ClinGen allele CA398982069.
Genomic context (GRCh38, chr17:31,226,477, plus strand): 5'-TCCACCCTTGACTCTCAGGATAGTGCAGCAGGATGCAGCGGAACCCCCCCGATTTGCCGA[C>T]AAGCCCAGACCAAACTAGAAGTGGCCCTGTACATGTTTCTGTGGAACCCTGACACTGAAG-3'

ClinVar aggregate classification (germline): Pathogenic. Review status: criteria provided, multiple submitters, no conflicts (2 of 4 stars). 6 submissions from 6 submitters: Pathogenic (5). 1 of the submissions does not count toward it. Last evaluated 2025-11-24.

Conditions:
NF1-related disorder. Also called: NF1-related condition. Identifiers: MedGen CN379171.
Neurofibromatosis, type 1 (NF1). Also called: VON RECKLINGHAUSEN DISEASE; Peripheral type neurofibromatosis; NEUROFIBROMATOSIS, TYPE I, SOMATIC; Neurofibromatosis, type I. Identifiers: Orphanet 636, MedGen C0027831, MONDO:0018975, OMIM 162200. Disease mechanism: loss of function.
Tibial pseudarthrosis. Identifiers: MedGen C4024216, HP:0009736.

Submissions (6):

Labcorp Genetics (formerly Invitae), Labcorp
Classification: Pathogenic for Neurofibromatosis, type 1. Last evaluated: 2025-11-24. Review status: criteria provided, single submitter. Criteria: Invitae Variant Classification Sherloc (09022015). Collection method: clinical testing. Allele origin: germline.
Comment: This sequence change creates a premature translational stop signal (p.Gln682*) in the NF1 gene. It is expected to result in an absent or disrupted protein product. Loss-of-function variants in NF1 are known to be pathogenic (PMID: 10712197, 23913538). This variant is not present in population databases (gnomAD no frequency). This premature translational stop signal has been observed in individual(s) with neurofibromatosis type I (PMID: 9452037). ClinVar contains an entry for this variant (Variation ID: 818186). For these reasons, this variant has been classified as Pathogenic.

Blueprint Genetics
Classification: Pathogenic for NF1-related disorders. Last evaluated: 2022-10-10. Review status: criteria provided, single submitter. Criteria: ACMG Guidelines, 2015. Collection method: clinical testing. Allele origin: germline. Affected: yes. Observed: 1 variant allele.

Genome-Nilou Lab
Classification: Pathogenic for Neurofibromatosis, type 1. Last evaluated: 2022-03-15. Review status: criteria provided, single submitter. Criteria: ACMG Guidelines, 2015. Collection method: clinical testing. Allele origin: germline. Affected: no.

Genome Diagnostics Laboratory, The Hospital for Sick Children
Classification: Pathogenic for Neurofibromatosis, type 1. Last evaluated: 2020-10-26. Review status: criteria provided, single submitter. Criteria: ACMG Guidelines, 2015. Collection method: clinical testing. Allele origin: germline. Affected: yes.

The Laboratory of Genetics and Metabolism, Hunan Children’s Hospital
Classification: Pathogenic for Neurofibromatosis, type 1; Tibial pseudoarthrosis. Last evaluated: 2018-11-10. Review status: criteria provided, single submitter. Criteria: ACMG Guidelines, 2015. Collection method: research. Allele origin: de novo. Affected: yes. Observed: 1 variant allele.

PreventionGenetics, part of Exact Sciences
Classification: Pathogenic for NF1-related condition. Last evaluated: 2024-01-11. Review status: no assertion criteria provided. Collection method: clinical testing. Allele origin: germline. Not counted in ClinVar's aggregate classification.
Comment: The NF1 c.2044C>T variant is predicted to result in premature protein termination (p.Gln682*). This variant was reported in individuals with neurofibromatosis type 1 (see for example - Zhu et al. 2019. PubMed ID: 31533797; Table S3, Kang et al. 2019. PubMed ID: 31776437). This variant has not been reported in a large population database, indicating this variant is rare. Nonsense variants in NF1 are expected to be pathogenic. This variant is interpreted as pathogenic.

Literature cited by the submitters: PubMed 10712197 (cited by Labcorp Genetics (formerly Invitae), Labcorp); PubMed 23913538 (cited by Labcorp Genetics (formerly Invitae), Labcorp); PubMed 9452037 (cited by Labcorp Genetics (formerly Invitae), Labcorp); PubMed 31533797 (cited by The Laboratory of Genetics and Metabolism, Hunan Children’s Hospital).